The following is an entry in ClinVar:

ClinVar aggregate classification (germline): Likely benign. Review status: criteria provided, multiple submitters, no conflicts (2 of 4 stars). 2 submissions from 2 submitters: Likely benign (2). Last evaluated 2026-04-23.

Conditions:
HPS6-related disorder. Also called: HPS6-related condition.

Allele frequency attached by ClinVar (database versions not stated): gnomAD exomes below 0.00001.
gnomAD v4.1: 1 of 1,613,264 alleles (0.000062%); no homozygotes.

Submissions (2):

PreventionGenetics, part of Exact Sciences
Classification: Likely benign for HPS6-related condition. Last evaluated: 2026-04-23. Review status: criteria provided, single submitter. Criteria: ACMG Guidelines, 2015. Collection method: clinical testing. Allele origin: germline.
Comment: This variant is classified as likely benign based on ACMG/AMP sequence variant interpretation guidelines (Richards et al. 2015 PMID: 25741868, with internal and published modifications).

Labcorp Genetics (formerly Invitae), Labcorp
Classification: Likely benign. Last evaluated: 2023-02-17. Review status: criteria provided, single submitter. Criteria: Invitae Variant Classification Sherloc (09022015). Collection method: clinical testing. Allele origin: germline.

NM_024747.6(HPS6):c.2265C>T (p.Ser755=)

Gene: HPS6 (HPS6 biogenesis of lysosomal organelles complex 2 subunit 3; plus strand). Cytogenetic location: 10q24.32.
Variant type: single nucleotide variant.
Coding change: c.2265C>T on transcript NM_024747.6 (MANE Select); coding-DNA position 2265, C replaced by T.
Protein change: p.Ser755=; no amino-acid change (serine 755 retained).
Molecular consequence: synonymous variant.
Genome position (GRCh38, 1-based): chr10:102,067,739, C>T. VCF-style: chr10-102067739-C-T. GRCh37 (hg19) VCF-style: chr10-103827496-C-T.
Identifiers: ClinVar variation 2993475 (VCV002993475.4), dbSNP rs764891400, ClinGen allele CA471011772.
Genomic context (GRCh38, chr10:102,067,739, plus strand): 5'-GCTCAAAGCCCTGCTGGAGCAGACTGGGGCTCAAGGATGGCTGTCGGGCCCAGTTCTAAG[C>T]CCATATGAGGACATCCTATGGGACCCCAGCACTCCACCCCCGACTCCACCTCGGGACCTA-3'
Protein context (NP_079023.2, residues 745-765): AQGWLSGPVL[Ser755=]PYEDILWDPS